The following is an entry in ClinVar:

ClinVar aggregate classification (germline): Uncertain significance (1 of 4 stars; one submission).

Conditions:
Early-infantile DEE. Also called: Early infantile epileptic encephalopathy; Ohtahara syndrome; Early infantile epileptic encephalopathy with suppression bursts. Identifiers: Orphanet 1934, MedGen C0393706, MONDO:0800491.

Submission:

Labcorp Genetics (formerly Invitae), Labcorp
Classification: Uncertain significance for Early-infantile DEE. Last evaluated: 2024-02-24. Review status: criteria provided, single submitter. Criteria: Invitae Variant Classification Sherloc (09022015). Collection method: clinical testing. Allele origin: germline.
Comment: This sequence change replaces glutamine, which is neutral and polar, with glutamic acid, which is acidic and polar, at codon 1539 of the SPTAN1 protein (p.Gln1539Glu). This variant is not present in population databases (gnomAD no frequency). This variant has not been reported in the literature in individuals affected with SPTAN1-related conditions. ClinVar contains an entry for this variant (Variation ID: 1395074). Advanced modeling of protein sequence and biophysical properties (such as structural, functional, and spatial information, amino acid conservation, physicochemical variation, residue mobility, and thermodynamic stability) has been performed at Invitae for this missense variant, however the output from this modeling did not meet the statistical confidence thresholds required to predict the impact of this variant on SPTAN1 protein function. In summary, the available evidence is currently insufficient to determine the role of this variant in disease. Therefore, it has been classified as a Variant of Uncertain Significance.

NM_001130438.3(SPTAN1):c.4615C>G (p.Gln1539Glu)

Gene: SPTAN1 (spectrin alpha, non-erythrocytic 1; plus strand). Cytogenetic location: 9q34.11.
Variant type: single nucleotide variant.
Coding change: c.4615C>G on transcript NM_001130438.3 (MANE Select); coding-DNA position 4615, C replaced by G.
Protein change: p.Gln1539Glu; replaces glutamine 1539 with glutamic acid.
Molecular consequence: missense variant.
Genome position (GRCh38, 1-based): chr9:128,609,141, C>G. VCF-style: chr9-128609141-C-G. GRCh37 (hg19) VCF-style: chr9-131371420-C-G.
Other names: c.4555C>G, p.Gln1519Glu (NM_001195532.2, NM_001363765.2, NM_001375314.2); c.4615C>G, p.Gln1539Glu (NM_001363759.2, NM_001375310.1, NM_001375311.2 and 2 more transcripts); c.4651C>G, p.Gln1551Glu (NM_001375312.2, NM_001375318.1); short protein forms Q1519E, Q1539E, Q1551E.
Identifiers: ClinVar variation 1395074 (VCV001395074.9), dbSNP rs2131635386, ClinGen allele CA375068618.